The following is an entry in ClinVar:

ClinVar aggregate classification (germline): Uncertain significance (1 of 4 stars; one submission).

Conditions:
Hypercholesterolemia, autosomal dominant, 3 (FHCL3). Also called: Familial Hypercholesterolemia, Autosomal Dominant, 3; Familial hypercholesterolemia 3; PCSK9-Related Familial Hypercholesterolemia, Autosomal Dominant. Identifiers: MedGen C1863551, MONDO:0011369, OMIM 603776.

gnomAD v4.1: 1 of 1,551,742 alleles (0.000064%); no homozygotes.

Submission:

Labcorp Genetics (formerly Invitae), Labcorp
Classification: Uncertain significance for Hypercholesterolemia, autosomal dominant, 3. Last evaluated: 2025-01-01. Review status: criteria provided, single submitter. Criteria: Invitae Variant Classification Sherloc (09022015). Collection method: clinical testing. Allele origin: germline.
Comment: This sequence change replaces threonine, which is neutral and polar, with serine, which is neutral and polar, at codon 548 of the PCSK9 protein (p.Thr548Ser). This variant is not present in population databases (gnomAD no frequency). This variant has not been reported in the literature in individuals affected with PCSK9-related conditions. Invitae Evidence Modeling of protein sequence and biophysical properties (such as structural, functional, and spatial information, amino acid conservation, physicochemical variation, residue mobility, and thermodynamic stability) indicates that this missense variant is not expected to disrupt PCSK9 protein function with a negative predictive value of 80%. In summary, the available evidence is currently insufficient to determine the role of this variant in disease. Therefore, it has been classified as a Variant of Uncertain Significance.

NM_174936.4(PCSK9):c.1642A>T (p.Thr548Ser)

Gene: PCSK9 (proprotein convertase subtilisin/kexin type 9; plus strand). Cytogenetic location: 1p32.3.
Variant type: single nucleotide variant.
Coding change: c.1642A>T on transcript NM_174936.4 (MANE Select); coding-DNA position 1642, A replaced by T.
Protein change: p.Thr548Ser; replaces threonine 548 with serine.
Molecular consequence: missense variant. On other transcripts: non-coding transcript variant (7), intron variant (1).
Genome position (GRCh38, 1-based): chr1:55,059,624, A>T. VCF-style: chr1-55059624-A-T. GRCh37 (hg19) VCF-style: chr1-55525297-A-T.
Other names: c.1765A>T, p.Thr589Ser (NM_001407240.1); c.1684A>T, p.Thr562Ser (NM_001407241.1); c.1645A>T, p.Thr549Ser (NM_001407242.1); c.1585A>T, p.Thr529Ser (NM_001407243.1); c.1468A>T, p.Thr490Ser (NM_001407244.1); c.1450A>T, p.Thr484Ser (NM_001407245.1); c.1267A>T, p.Thr423Ser (NM_001407246.1); c.1181-1751A>T (NM_001407247.1); short protein forms T423S, T484S, T490S, T529S, T548S, T589S, T549S, T562S.
Identifiers: ClinVar variation 3727061 (VCV003727061.2).
Genomic context (GRCh38, chr1:55,059,624, plus strand): 5'-CTGCTACCCCAGGCCAACTGCAGCGTCCACACAGCTCCACCAGCTGAGGCCAGCATGGGG[A>T]CCCGTGTCCACTGCCACCAACAGGGCCACGTCCTCACAGGTAGGAGGCTGGGCTTGCCCT-3'
Protein context (NP_777596.2, residues 538-558): TAPPAEASMG[Thr548Ser]RVHCHQQGHV